The following is an entry in ClinVar:

NM_004859.4(CLTC):c.3932G>A (p.Arg1311Gln)

Gene: CLTC (clathrin heavy chain; plus strand). Cytogenetic location: 17q23.1.
Variant type: single nucleotide variant.
Coding change: c.3932G>A on transcript NM_004859.4 (MANE Select); coding-DNA position 3932, G replaced by A.
Protein change: p.Arg1311Gln; replaces arginine 1311 with glutamine.
Molecular consequence: missense variant.
Genome position (GRCh38, 1-based): chr17:59,683,153, G>A. VCF-style: chr17-59683153-G-A. GRCh37 (hg19) VCF-style: chr17-57760514-G-A.
Other names: c.3944G>A, p.Arg1315Gln (NM_001288653.2); short protein forms R1315Q, R1311Q.
Identifiers: ClinVar variation 4767314 (VCV004767314.1).

ClinVar aggregate classification (germline): Uncertain significance (1 of 4 stars; one submission).

Submission:

Labcorp Genetics (formerly Invitae), Labcorp
Classification: Uncertain significance. Last evaluated: 2025-10-01. Review status: criteria provided, single submitter. Criteria: Invitae Variant Classification Sherloc (09022015). Collection method: clinical testing. Allele origin: germline.
Comment: This sequence change replaces arginine, which is basic and polar, with glutamine, which is neutral and polar, at codon 1315 of the CLTC protein (p.Arg1315Gln). This variant is not present in population databases (gnomAD no frequency). This variant has not been reported in the literature in individuals affected with CLTC-related conditions. Invitae Evidence Modeling of protein sequence and biophysical properties (such as structural, functional, and spatial information, amino acid conservation, physicochemical variation, residue mobility, and thermodynamic stability) indicates that this missense variant is not expected to disrupt CLTC protein function with a negative predictive value of 80%. In summary, the available evidence is currently insufficient to determine the role of this variant in disease. Therefore, it has been classified as a Variant of Uncertain Significance.